The following is an entry in ClinVar:

ClinVar aggregate classification (germline): Uncertain significance (1 of 4 stars; one submission).

Conditions:
Hereditary spastic paraplegia 3A (SPG3A). Also called: STRUMPELL DISEASE; SPASTIC PARAPLEGIA 3, AUTOSOMAL DOMINANT; FAMILIAL SPASTIC PARAPLEGIA, AUTOSOMAL DOMINANT, 1; SPG3; Spastic Paraplegia 3A; Spastic paraplegia 3A, autosomal dominant. Identifiers: Orphanet 100984, MedGen C2931355, MONDO:0008437, OMIM 182600.

Submission:

Labcorp Genetics (formerly Invitae), Labcorp
Classification: Uncertain significance for Hereditary spastic paraplegia 3A. Last evaluated: 2024-07-06. Review status: criteria provided, single submitter. Criteria: Invitae Variant Classification Sherloc (09022015). Collection method: clinical testing. Allele origin: germline.
Comment: This sequence change replaces phenylalanine, which is neutral and non-polar, with tyrosine, which is neutral and polar, at codon 381 of the ATL1 protein (p.Phe381Tyr). This variant is not present in population databases (gnomAD no frequency). This variant has not been reported in the literature in individuals affected with ATL1-related conditions. ClinVar contains an entry for this variant (Variation ID: 956087). Advanced modeling of protein sequence and biophysical properties (such as structural, functional, and spatial information, amino acid conservation, physicochemical variation, residue mobility, and thermodynamic stability) performed at Invitae indicates that this missense variant is not expected to disrupt ATL1 protein function with a negative predictive value of 80%. In summary, the available evidence is currently insufficient to determine the role of this variant in disease. Therefore, it has been classified as a Variant of Uncertain Significance.

NM_015915.5(ATL1):c.1142T>A (p.Phe381Tyr)

Gene: ATL1 (atlastin GTPase 1; plus strand). Cytogenetic location: 14q22.1.
Variant type: single nucleotide variant.
Coding change: c.1142T>A on transcript NM_015915.5 (MANE Select); coding-DNA position 1142, T replaced by A.
Protein change: p.Phe381Tyr; replaces phenylalanine 381 with tyrosine.
Molecular consequence: missense variant.
Genome position (GRCh38, 1-based): chr14:50,628,053, T>A. VCF-style: chr14-50628053-T-A. GRCh37 (hg19) VCF-style: chr14-51094771-T-A.
Other names: c.1142T>A, p.Phe381Tyr (NM_001127713.1, NM_181598.4); short protein forms F381Y.
Identifiers: ClinVar variation 956087 (VCV000956087.9), dbSNP rs2039538375, ClinGen allele CA389675380.